The following is an entry in ClinVar:

NM_001113491.2(SEPTIN9):c.757G>C (p.Ala253Pro)

Gene: SEPTIN9 (septin 9; plus strand). Cytogenetic location: 17q25.3.
Variant type: single nucleotide variant.
Coding change: c.757G>C on transcript NM_001113491.2 (MANE Select); coding-DNA position 757, G replaced by C.
Protein change: p.Ala253Pro; replaces alanine 253 with proline.
Molecular consequence: missense variant.
Genome position (GRCh38, 1-based): chr17:77,482,179, G>C. VCF-style: chr17-77482179-G-C. GRCh37 (hg19) VCF-style: chr17-75478261-G-C.
Other names: c.265G>C, p.Ala89Pro (NM_001113492.2, NM_001113494.1); c.736G>C, p.Ala246Pro (NM_001113493.2); c.4G>C, p.Ala2Pro (NM_001113495.2, NM_001113496.2, NM_001293697.2 and 1 more transcripts); c.700G>C, p.Ala234Pro (NM_001293695.2); c.85G>C, p.Ala29Pro (NM_001293696.2); c.703G>C, p.Ala235Pro (NM_006640.5); short protein forms A234P, A235P, A246P, A253P, A29P, A2P, A89P.
Identifiers: ClinVar variation 3624075 (VCV003624075.2).

ClinVar aggregate classification (germline): Uncertain significance (1 of 4 stars; one submission).

gnomAD v4.1: 4 of 1,602,762 alleles (0.00025%); highest among the groups gnomAD compares: African/African-American, 0.0054%; no homozygotes.

Submission:

Labcorp Genetics (formerly Invitae), Labcorp
Classification: Uncertain significance. Last evaluated: 2024-04-08. Review status: criteria provided, single submitter. Criteria: Invitae Variant Classification Sherloc (09022015). Collection method: clinical testing. Allele origin: germline.
Comment: This sequence change replaces alanine, which is neutral and non-polar, with proline, which is neutral and non-polar, at codon 235 of the SEPT9 protein (p.Ala235Pro). This variant is not present in population databases (gnomAD no frequency). This variant has not been reported in the literature in individuals affected with SEPT9-related conditions. Advanced modeling of protein sequence and biophysical properties (such as structural, functional, and spatial information, amino acid conservation, physicochemical variation, residue mobility, and thermodynamic stability) performed at Invitae indicates that this missense variant is not expected to disrupt SEPT9 protein function with a negative predictive value of 80%. In summary, the available evidence is currently insufficient to determine the role of this variant in disease. Therefore, it has been classified as a Variant of Uncertain Significance.